The following is an entry in ClinVar:

NM_000685.5(AGTR1):c.1080A>G (p.Ter360Trp)

Gene: AGTR1 (angiotensin II receptor type 1; plus strand). Cytogenetic location: 3q24.
Variant type: single nucleotide variant.
Coding change: c.1080A>G on transcript NM_000685.5 (MANE Select); coding-DNA position 1080, A replaced by G.
Protein change: p.Ter360Trp.
Molecular consequence: stop lost.
Genome position (GRCh38, 1-based): chr3:148,742,115, A>G. VCF-style: chr3-148742115-A-G. GRCh37 (hg19) VCF-style: chr3-148459902-A-G.
Other names: c.1080A>G, p.Ter360Trp (NM_001382736.1, NM_001382737.1, NM_004835.5 and 3 more transcripts).
Identifiers: ClinVar variation 1482663 (VCV001482663.8), dbSNP rs778604981, ClinGen allele CA2657443.

ClinVar aggregate classification (germline): Uncertain significance. Review status: criteria provided, multiple submitters, no conflicts (2 of 4 stars). 3 submissions from 3 submitters: Uncertain significance (3). Last evaluated 2025-09-10.

Conditions:
Renal tubular dysgenesis of genetic origin. Also called: PRIMITIVE RENAL TUBULE SYNDROME. Identifiers: Orphanet 97369, MedGen C5681536, MONDO:0009970, OMIM 267430.
Essential hypertension, genetic (EHT). Identifiers: MedGen CN305331, MONDO:0007781, OMIM 145500.
Retinitis pigmentosa 40 (RP40). Identifiers: Orphanet 791, MedGen C3151107, MONDO:0013429, OMIM 613801.

Allele frequency attached by ClinVar (database versions not stated): gnomAD exomes 0.00001; ExAC 0.00002.
gnomAD v4.1: 10 of 1,614,098 alleles (0.00062%); highest among the groups gnomAD compares: South Asian, 0.0099%; 1 homozygote.

Submissions (3):

Genomic Medicine Center of Excellence, King Faisal Specialist Hospital and Research Centre
Classification: Uncertain significance for Retinitis pigmentosa 40. Last evaluated: 2025-09-10. Review status: criteria provided, single submitter. Criteria: ACMG Guidelines, 2015. Collection method: clinical testing. Allele origin: germline.

Fulgent Genetics
Classification: Uncertain significance for Essential hypertension, genetic; Renal tubular dysgenesis of genetic origin. Last evaluated: 2022-02-24. Review status: criteria provided, single submitter. Criteria: ACMG Guidelines, 2015. Collection method: clinical testing. Allele origin: unknown.

Labcorp Genetics (formerly Invitae), Labcorp
Classification: Uncertain significance. Last evaluated: 2021-04-02. Review status: criteria provided, single submitter. Criteria: Invitae Variant Classification Sherloc (09022015). Collection method: clinical testing. Allele origin: germline.
Comment: This sequence change disrupts the translational stop signal of the AGTR1 mRNA. It is expected to extend the length of the AGTR1 protein by 9 additional amino acid residues. This variant is present in population databases (rs778604981, ExAC 0.01%), including at least one homozygous and/or hemizygous individual. This variant has not been reported in the literature in individuals with AGTR1-related conditions. Experimental studies and prediction algorithms are not available or were not evaluated, and the functional significance of this variant is currently unknown. In summary, the available evidence is currently insufficient to determine the role of this variant in disease. Therefore, it has been classified as a Variant of Uncertain Significance.